The following is an entry in ClinVar:

ClinVar aggregate classification (germline): Likely benign (0 of 4 stars; one submission).

Conditions:
CELSR2-related disorder. Also called: CELSR2-related condition.

Allele frequency attached by ClinVar (database versions not stated): ESP Exome Variant Server 0.00023; TOPMed 0.00030; gnomAD 0.00034; gnomAD exomes 0.00041; ExAC 0.00055; 1000 Genomes Project 30x 0.00094; 1000 Genomes Project 0.00120.
gnomAD v4.1: 646 of 1,613,682 alleles (0.04%); highest among the groups gnomAD compares: East Asian, 1.1%; 7 homozygotes.

Submission:

PreventionGenetics, part of Exact Sciences
Classification: Likely benign for CELSR2-related condition. Last evaluated: 2022-01-31. Review status: no assertion criteria provided. Collection method: clinical testing. Allele origin: germline.
Comment: This variant is classified as likely benign based on ACMG/AMP sequence variant interpretation guidelines (Richards et al. 2015 PMID: 25741868, with internal and published modifications).

NM_001408.3(CELSR2):c.6572G>A (p.Arg2191His)

Gene: CELSR2 (cadherin EGF LAG seven-pass G-type receptor 2; plus strand). Cytogenetic location: 1p13.3.
Variant type: single nucleotide variant.
Coding change: c.6572G>A on transcript NM_001408.3 (MANE Select); coding-DNA position 6572, G replaced by A.
Protein change: p.Arg2191His; replaces arginine 2191 with histidine.
Molecular consequence: missense variant.
Genome position (GRCh38, 1-based): chr1:109,268,949, G>A. VCF-style: chr1-109268949-G-A. GRCh37 (hg19) VCF-style: chr1-109811571-G-A.
Other names: short protein forms R2191H.
Identifiers: ClinVar variation 3054241 (VCV003054241.2), dbSNP rs79850681, ClinGen allele CA987930.